The following is an entry in ClinVar:

ClinVar aggregate classification (germline): Uncertain significance (1 of 4 stars; one submission).

gnomAD v4.1: 1 of 1,211,173 alleles (0.000083%); highest among the groups gnomAD compares: Non-Finnish European, 0.00011%; no homozygotes.

Submission:

CeGaT Center for Human Genetics Tuebingen
Classification: Uncertain significance. Last evaluated: 2025-08-01. Review status: criteria provided, single submitter. Criteria: CeGaT Center For Human Genetics Tuebingen Variant Classification Criteria Version 2. Collection method: clinical testing. Allele origin: germline. Affected: yes. Observed: 1 variant allele.
Comment: HUWE1: PM2, PS2:Moderate, PP2

NM_031407.7(HUWE1):c.3275C>T (p.Thr1092Ile)

Gene: HUWE1 (HECT, UBA and WWE domain containing E3 ubiquitin protein ligase 1; minus strand). Cytogenetic location: Xp11.22.
Variant type: single nucleotide variant.
Coding change: c.3275C>T on transcript NM_031407.7 (MANE Select); coding-DNA position 3275, C replaced by T.
Protein change: p.Thr1092Ile; replaces threonine 1092 with isoleucine.
Molecular consequence: missense variant.
Genome position (GRCh38, 1-based): chrX:53,595,292, G>A on the plus strand (C>T on the coding strand, the complement: HUWE1 is on the minus strand). VCF-style: chrX-53595292-G-A. GRCh37 (hg19) VCF-style: chrX-53622252-G-A.
Other names: c.3275C>T, p.Thr1092Ile (NM_001441057.1, NM_001441058.1, NM_001441048.1 and 6 more transcripts); c.3296C>T, p.Thr1099Ile (NM_001441050.1, NM_001441055.1); short protein forms T1092I, T1099I.
Identifiers: ClinVar variation 4085650 (VCV004085650.8).